The following is an entry in ClinVar:

NM_020832.3(ZNF687):c.276C>T (p.Pro92=)

Gene: ZNF687 (zinc finger protein 687; plus strand). Cytogenetic location: 1q21.3.
Variant type: single nucleotide variant.
Coding change: c.276C>T on transcript NM_020832.3 (MANE Select); coding-DNA position 276, C replaced by T.
Protein change: p.Pro92=; no amino-acid change (proline 92 retained).
Molecular consequence: synonymous variant.
Genome position (GRCh38, 1-based): chr1:151,286,567, C>T. VCF-style: chr1-151286567-C-T. GRCh37 (hg19) VCF-style: chr1-151259043-C-T.
Other names: c.276C>T, p.Pro92= (NM_001304763.2, NM_001304764.2); c.276C>T (NM_020832.2).
Identifiers: ClinVar variation 1611976 (VCV001611976.11), dbSNP rs2298265, ClinGen allele CA1088129.
Genomic context (GRCh38, chr1:151,286,567, plus strand): 5'-TGGCCTGCCACCGCCAGACATTTCTGTAGTCAGTGTCATTGTCAAGAACACTGTGTGTCC[C>T]GAGCAGTCTGAGGCCCTGGCTGGAGGCTCAGCAGGAGACGGGGCCCAGGCTGCTGGGGTA-3'
Protein context (NP_065883.1, residues 82-102): VSVIVKNTVC[Pro92=]EQSEALAGGS

ClinVar aggregate classification (germline): Benign. Review status: criteria provided, multiple submitters, no conflicts (2 of 4 stars). 3 submissions from 3 submitters: Benign (2). 1 of the submissions does not count toward it. Last evaluated 2026-02-02.

Conditions:
ZNF687-related disorder. Also called: ZNF687-related condition.

Allele frequency attached by ClinVar (database versions not stated): ExAC 0.11038; gnomAD 0.11879 and 0.11731; 1000 Genomes Project 0.10184; gnomAD exomes 0.11244 and 0.11333; TOPMed 0.12168; 1000 Genomes Project 30x 0.10259; ESP Exome Variant Server 0.11833.
gnomAD v4.1: 182,727 of 1,614,088 alleles (11%); highest among the groups gnomAD compares: Middle Eastern, 17%; 10,830 homozygotes.

Submissions (3):

Labcorp Genetics (formerly Invitae), Labcorp
Classification: Benign. Last evaluated: 2026-02-02. Review status: criteria provided, single submitter. Criteria: Invitae Variant Classification Sherloc (09022015). Collection method: clinical testing. Allele origin: germline.

Breakthrough Genomics
Classification: Benign. Review status: criteria provided, single submitter. Criteria: ACMG Guidelines, 2015. Collection method: not provided. Allele origin: germline. Inheritance: Autosomal dominant inheritance. Affected: yes.

PreventionGenetics, part of Exact Sciences
Classification: Benign for ZNF687-related condition. Last evaluated: 2019-10-21. Review status: no assertion criteria provided. Collection method: clinical testing. Allele origin: germline. Not counted in ClinVar's aggregate classification.
Comment: This variant is classified as benign based on ACMG/AMP sequence variant interpretation guidelines (Richards et al. 2015 PMID: 25741868, with internal and published modifications).